The following is an entry in ClinVar:

NM_020919.4(ALS2):c.4478A>C (p.Tyr1493Ser)

Gene: ALS2 (alsin Rho guanine nucleotide exchange factor ALS2; minus strand). Cytogenetic location: 2q33.1.
Variant type: single nucleotide variant.
Coding change: c.4478A>C on transcript NM_020919.4 (MANE Select); coding-DNA position 4478, A replaced by C.
Protein change: p.Tyr1493Ser; replaces tyrosine 1493 with serine.
Molecular consequence: missense variant.
Genome position (GRCh38, 1-based): chr2:201,706,948, T>G on the plus strand (A>C on the coding strand, the complement: ALS2 is on the minus strand). VCF-style: chr2-201706948-T-G. GRCh37 (hg19) VCF-style: chr2-202571671-T-G.
Other names: short protein forms Y1493S.
Identifiers: ClinVar variation 1020198 (VCV001020198.8), dbSNP rs1689754943, ClinGen allele CA350322131.

ClinVar aggregate classification (germline): Uncertain significance (1 of 4 stars; one submission).

Conditions:
Infantile-onset ascending hereditary spastic paralysis (IAHSP). Also called: Autosomal Recessive Juvenile Amyotrophic Lateral Sclerosis; Infantile-Onset Ascending Hereditary Spastic Paralysis (IAHSP). Identifiers: Orphanet 293168, MedGen C2931441, MONDO:0011797, OMIM 607225. Disease mechanism: loss of function.

Submission:

Labcorp Genetics (formerly Invitae), Labcorp
Classification: Uncertain significance for Infantile-onset ascending hereditary spastic paralysis. Last evaluated: 2020-08-09. Review status: criteria provided, single submitter. Criteria: Invitae Variant Classification Sherloc (09022015). Collection method: clinical testing. Allele origin: germline.
Comment: In summary, the available evidence is currently insufficient to determine the role of this variant in disease. Therefore, it has been classified as a Variant of Uncertain Significance. Algorithms developed to predict the effect of missense changes on protein structure and function (SIFT, PolyPhen-2, Align-GVGD) all suggest that this variant is likely to be disruptive, but these predictions have not been confirmed by published functional studies and their clinical significance is uncertain. This variant has not been reported in the literature in individuals with ALS2-related conditions. This variant is not present in population databases (ExAC no frequency). This sequence change replaces tyrosine with serine at codon 1493 of the ALS2 protein (p.Tyr1493Ser). The tyrosine residue is highly conserved and there is a large physicochemical difference between tyrosine and serine.